The following is an entry in ClinVar:

ClinVar aggregate classification (germline): Benign/Likely benign. Review status: criteria provided, multiple submitters, no conflicts (2 of 4 stars). 6 submissions from 6 submitters: Benign (2); Likely benign (3). 1 of the submissions does not count toward it. Last evaluated 2026-05-01.

Conditions:
Blau syndrome (BLAUS). Also called: GRANULOMATOSIS, FAMILIAL JUVENILE SYSTEMIC; GRANULOMATOSIS, FAMILIAL, BLAU TYPE; GRANULOMATOUS INFLAMMATORY ARTHRITIS, DERMATITIS, AND UVEITIS, FAMILIAL; JABS SYNDROME; ARTHROCUTANEOUVEAL GRANULOMATOSIS. Identifiers: Orphanet 90340, MedGen C5201146, MONDO:0008523, OMIM 186580.
Regional enteritis. Also called: Enteritis, Granulomatous. Identifiers: MedGen C0678202, MeSH D003424.
NOD2-related disorder. Also called: NOD2-related condition.
Autoinflammatory syndrome. Identifiers: Orphanet 93665, MedGen C3890737, MONDO:0019751.

Allele frequency attached by ClinVar (database versions not stated): 1000 Genomes Project 30x 0.00016; 1000 Genomes Project 0.00020; ExAC 0.00041; gnomAD exomes 0.00041 and 0.00060; TOPMed 0.00050; gnomAD 0.00051 and 0.00052; ESP Exome Variant Server 0.00092.

Submissions (6):

CeGaT Center for Human Genetics Tuebingen
Classification: Likely benign. Last evaluated: 2026-05-01. Review status: criteria provided, single submitter. Criteria: CeGaT Center For Human Genetics Tuebingen Variant Classification Criteria Version 2. Collection method: clinical testing. Allele origin: germline. Affected: yes. Observed: 4 variant alleles.
Comment: NOD2: BP4, BP7

Women's Health and Genetics/Laboratory Corporation of America, LabCorp
Classification: Benign. Last evaluated: 2026-03-09. Review status: criteria provided, single submitter. Criteria: LabCorp Variant Classification Summary - May 2015. Collection method: clinical testing. Allele origin: germline.

Labcorp Genetics (formerly Invitae), Labcorp
Classification: Benign for Regional enteritis; Blau syndrome. Last evaluated: 2026-02-01. Review status: criteria provided, single submitter. Criteria: Invitae Variant Classification Sherloc (09022015). Collection method: clinical testing. Allele origin: germline.

Blueprint Genetics
Classification: Likely benign. Last evaluated: 2024-10-18. Review status: criteria provided, single submitter. Criteria: ACMG Guidelines, 2015. Collection method: clinical testing. Allele origin: germline.

Genome Diagnostics Laboratory, The Hospital for Sick Children
Classification: Likely benign for Autoinflammatory syndrome. Last evaluated: 2022-03-10. Review status: criteria provided, single submitter. Criteria: ACMG Guidelines, 2015. Collection method: clinical testing. Allele origin: germline. Affected: yes.

PreventionGenetics, part of Exact Sciences
Classification: Likely benign for NOD2-related condition. Last evaluated: 2020-09-17. Review status: no assertion criteria provided. Collection method: clinical testing. Allele origin: germline. Not counted in ClinVar's aggregate classification.
Comment: This variant is classified as likely benign based on ACMG/AMP sequence variant interpretation guidelines (Richards et al. 2015 PMID: 25741868, with internal and published modifications).

NM_001370466.1(NOD2):c.486G>A (p.Thr162=)

Gene: NOD2 (nucleotide binding oligomerization domain containing 2; plus strand). Cytogenetic location: 16q12.1.
Variant type: single nucleotide variant.
Coding change: c.486G>A on transcript NM_001370466.1 (MANE Select); coding-DNA position 486, G replaced by A.
Protein change: p.Thr162=; no amino-acid change (threonine 162 retained).
Molecular consequence: synonymous variant. On other transcripts: non-coding transcript variant (1).
Genome position (GRCh38, 1-based): chr16:50,707,881, G>A. VCF-style: chr16-50707881-G-A. GRCh37 (hg19) VCF-style: chr16-50741792-G-A.
Other names: c.486G>A, p.Thr162= (NM_001293557.2); c.567G>A, p.Thr189= (NM_022162.3).
Identifiers: ClinVar variation 788178 (VCV000788178.55), dbSNP rs144887729, ClinGen allele CA8051321.